The following is an entry in ClinVar:

NM_001384125.1(BLTP1):c.13135A>C (p.Thr4379Pro)

Gene: BLTP1 (bridge-like lipid transfer protein family member 1; plus strand). Cytogenetic location: 4q27.
Variant type: single nucleotide variant.
Coding change: c.13135A>C on transcript NM_001384125.1 (MANE Select); coding-DNA position 13135, A replaced by C.
Protein change: p.Thr4379Pro; replaces threonine 4379 with proline.
Molecular consequence: missense variant.
Genome position (GRCh38, 1-based): chr4:122,346,760, A>C. VCF-style: chr4-122346760-A-C. GRCh37 (hg19) VCF-style: chr4-123267915-A-C.
Other names: c.12871A>C, p.Thr4291Pro (NM_015312.4); short protein forms T4291P, T4379P.
Identifiers: ClinVar variation 1700732 (VCV001700732.3), dbSNP rs746447718, ClinGen allele CA3068092.

ClinVar aggregate classification (germline): Uncertain significance (1 of 4 stars; one submission).

Allele frequency attached by ClinVar (database versions not stated): gnomAD exomes below 0.00001 and 0.00001; ExAC 0.00001; gnomAD 0.00001.
gnomAD v4.1: 8 of 1,608,810 alleles (0.0005%); highest among the groups gnomAD compares: South Asian, 0.0077%; no homozygotes.

Submission:

GeneDx
Classification: Uncertain significance. Last evaluated: 2024-07-08. Review status: criteria provided, single submitter. Criteria: GeneDx Variant Classification Process June 2021. Collection method: clinical testing. Allele origin: germline. Affected: yes.
Comment: In silico analysis indicates that this missense variant does not alter protein structure/function; Has not been previously published as pathogenic or benign to our knowledge